The following is an entry in ClinVar:

ClinVar aggregate classification (germline): Uncertain significance (1 of 4 stars; one submission).

Conditions:
Hereditary cancer-predisposing syndrome. Also called: Hereditary Cancer Syndrome; Neoplastic Syndromes, Hereditary; Tumor predisposition; Hereditary neoplastic syndrome. Identifiers: Orphanet 140162, MedGen C0027672, MeSH D009386, MONDO:0015356.

Submission:

Labcorp Genetics (formerly Invitae), Labcorp
Classification: Uncertain significance for Hereditary cancer-predisposing syndrome. Last evaluated: 2020-02-18. Review status: criteria provided, single submitter. Criteria: Invitae Variant Classification Sherloc (09022015). Collection method: clinical testing. Allele origin: germline.
Comment: In summary, the available evidence is currently insufficient to determine the role of this variant in disease. Therefore, it has been classified as a Variant of Uncertain Significance. Algorithms developed to predict the effect of missense changes on protein structure and function are either unavailable or do not agree on the potential impact of this missense change (SIFT: "Deleterious"; PolyPhen-2: "Benign"; Align-GVGD: "Class C0"). This variant has not been reported in the literature in individuals with RAD50-related conditions. This variant is not present in population databases (ExAC no frequency). This sequence change replaces phenylalanine with leucine at codon 27 of the RAD50 protein (p.Phe27Leu). The phenylalanine residue is highly conserved and there is a small physicochemical difference between phenylalanine and leucine.

NM_005732.4(RAD50):c.81C>G (p.Phe27Leu)

Gene: RAD50 (RAD50 double strand break repair protein; plus strand). Cytogenetic location: 5q31.1.
Variant type: single nucleotide variant.
Coding change: c.81C>G on transcript NM_005732.4 (MANE Select); coding-DNA position 81, C replaced by G.
Protein change: p.Phe27Leu; replaces phenylalanine 27 with leucine.
Molecular consequence: missense variant.
Genome position (GRCh38, 1-based): chr5:132,557,405, C>G. VCF-style: chr5-132557405-C-G. GRCh37 (hg19) VCF-style: chr5-131893097-C-G.
Other names: short protein forms F27L.
Identifiers: ClinVar variation 1022792 (VCV001022792.9), dbSNP rs868228536, ClinGen allele CA360951474.